The following is an entry in ClinVar:

ClinVar aggregate classification (germline): Likely benign. Review status: criteria provided, multiple submitters, no conflicts (2 of 4 stars). 2 submissions from 2 submitters: Likely benign (2). Last evaluated 2024-04-15.

Allele frequency attached by ClinVar (database versions not stated): gnomAD 0.00003; gnomAD exomes 0.00005; 1000 Genomes Project 30x 0.00016; ExAC 0.00018; 1000 Genomes Project 0.00080.
gnomAD v4.1: 72 of 1,518,458 alleles (0.0047%); highest among the groups gnomAD compares: South Asian, 0.038%; no homozygotes.

Submissions (2):

Blueprint Genetics
Classification: Likely benign. Last evaluated: 2024-04-15. Review status: criteria provided, single submitter. Criteria: ACMG Guidelines, 2015. Collection method: clinical testing. Allele origin: germline.

CeGaT Center for Human Genetics Tuebingen
Classification: Likely benign. Last evaluated: 2023-02-01. Review status: criteria provided, single submitter. Criteria: CeGaT Center For Human Genetics Tuebingen Variant Classification Criteria Version 2. Collection method: clinical testing. Allele origin: germline. Affected: yes. Observed: 1 variant allele.
Comment: IRF2BPL: BP4, BP7

NM_024496.4(IRF2BPL):c.459T>C (p.Ala153=)

Gene: IRF2BPL (interferon regulatory factor 2 binding protein like; minus strand). Cytogenetic location: 14q24.3.
Variant type: single nucleotide variant.
Coding change: c.459T>C on transcript NM_024496.4 (MANE Select); coding-DNA position 459, T replaced by C.
Protein change: p.Ala153=; no amino-acid change (alanine 153 retained).
Molecular consequence: synonymous variant.
Genome position (GRCh38, 1-based): chr14:77,027,334, A>G on the plus strand (T>C on the coding strand, the complement: IRF2BPL is on the minus strand). VCF-style: chr14-77027334-A-G. GRCh37 (hg19) VCF-style: chr14-77493677-A-G.
Identifiers: ClinVar variation 2644403 (VCV002644403.25), dbSNP rs574190382, ClinGen allele CA7283958.